The following is an entry in ClinVar:

NM_001354604.2(MITF):c.1343T>C (p.Leu448Pro)

Gene: MITF (melanocyte inducing transcription factor; plus strand). Cytogenetic location: 3p13.
Variant type: single nucleotide variant.
Coding change: c.1343T>C on transcript NM_001354604.2 (MANE Select); coding-DNA position 1343, T replaced by C.
Protein change: p.Leu448Pro; replaces leucine 448 with proline.
Molecular consequence: missense variant.
Genome position (GRCh38, 1-based): chr3:69,965,010, T>C. VCF-style: chr3-69965010-T-C. GRCh37 (hg19) VCF-style: chr3-70014161-T-C.
Other names: c.1022T>C, p.Leu341Pro (NM_000248.4); c.1169T>C, p.Leu390Pro (NM_001184967.2, NM_001354608.2); c.1340T>C, p.Leu447Pro (NM_001354605.2); c.1322T>C, p.Leu441Pro (NM_001354606.2, NM_006722.3); c.1274T>C, p.Leu425Pro (NM_001354607.2); c.1004T>C, p.Leu335Pro (NM_198158.3); c.1325T>C, p.Leu442Pro (NM_198159.3); c.1277T>C, p.Leu426Pro (NM_198177.3); and 1 more; short protein forms L279P, L341P, L448P, L335P, L441P, L426P, L390P, L425P.
Identifiers: ClinVar variation 3396332 (VCV003396332.3).
Genomic context (GRCh38, chr3:69,965,010, plus strand): 5'-TTGAGAACTGCAGCCAAGACCTCCTTCAGCATCATGCAGACCTAACCTGTACAACAACTC[T>C]CGATCTCACGGATGGCACCATCACCTTCAACAACAACCTCGGAACTGGGACTGAGGCCAA-3'
Protein context (NP_001341533.1, residues 438-458): HHADLTCTTT[Leu448Pro]DLTDGTITFN

ClinVar aggregate classification (germline): Uncertain significance. Review status: criteria provided, multiple submitters, no conflicts (2 of 4 stars). 2 submissions from 2 submitters: Uncertain significance (2). Last evaluated 2025-11-09.

Conditions:
Hereditary cancer-predisposing syndrome. Also called: Hereditary Cancer Syndrome; Tumor predisposition; Hereditary neoplastic syndrome; Neoplastic Syndromes, Hereditary. Identifiers: Orphanet 140162, MedGen C0027672, MeSH D009386, MONDO:0015356.
Waardenburg syndrome type 2A (WS2A). Also called: WAARDENBURG SYNDROME WITHOUT DYSTOPIA CANTHORUM. Identifiers: Orphanet 3440, MedGen C1860339, MONDO:0008671, OMIM 193510.
Melanoma, cutaneous malignant, susceptibility to, 8. Also called: MELANOMA AND RENAL CELL CARCINOMA, SUSCEPTIBILITY TO; Cutaneous malignant melanoma 8. Identifiers: Orphanet 293822, MedGen C3152204, MONDO:0013759, OMIM 614456.
Tietz syndrome (TADS). Also called: ALBINISM-DEAFNESS OF TIETZ; HYPOPIGMENTATION/DEAFNESS OF TIETZ; TIETZ ALBINISM-DEAFNESS SYNDROME. Identifiers: Orphanet 42665, MedGen C0391816, MONDO:0007077, OMIM 103500.

gnomAD v4.1: 4 of 1,613,894 alleles (0.00025%); highest among the groups gnomAD compares: Non-Finnish European, 0.00034%; no homozygotes.

Submissions (2):

Labcorp Genetics (formerly Invitae), Labcorp
Classification: Uncertain significance for Melanoma, cutaneous malignant, susceptibility to, 8; Waardenburg syndrome type 2A; Tietz syndrome. Last evaluated: 2025-11-09. Review status: criteria provided, single submitter. Criteria: Invitae Variant Classification Sherloc (09022015). Collection method: clinical testing. Allele origin: germline.
Comment: This sequence change replaces leucine, which is neutral and non-polar, with proline, which is neutral and non-polar, at codon 341 of the MITF protein (p.Leu341Pro). This variant is not present in population databases (gnomAD no frequency). This variant has not been reported in the literature in individuals affected with MITF-related conditions. ClinVar contains an entry for this variant (Variation ID: 3396332). Invitae Evidence Modeling of protein sequence and biophysical properties (such as structural, functional, and spatial information, amino acid conservation, physicochemical variation, residue mobility, and thermodynamic stability) indicates that this missense variant is not expected to disrupt MITF protein function with a negative predictive value of 80%. In summary, the available evidence is currently insufficient to determine the role of this variant in disease. Therefore, it has been classified as a Variant of Uncertain Significance.

Ambry Genetics
Classification: Uncertain significance for Hereditary cancer-predisposing syndrome. Last evaluated: 2024-11-21. Review status: criteria provided, single submitter. Criteria: Ambry Variant Classification Scheme 2023. Collection method: clinical testing. Allele origin: germline.
Comment: The p.L341P variant (also known as c.1022T>C), located in coding exon 9 of the MITF gene, results from a T to C substitution at nucleotide position 1022. The leucine at codon 341 is replaced by proline, an amino acid with similar properties. This amino acid position is conserved. In addition, this alteration is predicted to be deleterious by in silico analysis. Based on the available evidence, the clinical significance of this variant remains unclear.